The following is an entry in ClinVar:

NM_152564.5(VPS13B):c.8592C>A (p.Asp2864Glu)

Gene: VPS13B (vacuolar protein sorting 13 homolog B; plus strand). Cytogenetic location: 8q22.2.
Variant type: single nucleotide variant.
Coding change: c.8592C>A on transcript NM_152564.5 (MANE Select); coding-DNA position 8592, C replaced by A.
Protein change: p.Asp2864Glu; replaces aspartic acid 2864 with glutamic acid.
Molecular consequence: missense variant.
Genome position (GRCh38, 1-based): chr8:99,818,859, C>A. VCF-style: chr8-99818859-C-A. GRCh37 (hg19) VCF-style: chr8-100831087-C-A.
Other names: c.8667C>A, p.Asp2889Glu (NM_017890.5); short protein forms D2889E, D2864E.
Identifiers: ClinVar variation 2160499 (VCV002160499.1), dbSNP rs1266484514, ClinGen allele CA371775074.

ClinVar aggregate classification (germline): Uncertain significance (1 of 4 stars; one submission).

Conditions:
Cohen syndrome (COH1). Also called: PEPPER SYNDROME; Cutis verticis gyrata, retinitis pigmentosa, and sensorineural deafness. Identifiers: Orphanet 193, MedGen C0265223, MONDO:0008999, OMIM 216550.

Allele frequency attached by ClinVar (database versions not stated): TOPMed below 0.00001; gnomAD 0.00001.
gnomAD v4.1: 3 of 1,613,492 alleles (0.00019%); highest among the groups gnomAD compares: Admixed American, 0.0033%; no homozygotes.

Submission:

Labcorp Genetics (formerly Invitae), Labcorp
Classification: Uncertain significance for Cohen syndrome. Last evaluated: 2022-05-20. Review status: criteria provided, single submitter. Criteria: Invitae Variant Classification Sherloc (09022015). Collection method: clinical testing. Allele origin: germline.
Comment: This sequence change replaces aspartic acid, which is acidic and polar, with glutamic acid, which is acidic and polar, at codon 2889 of the VPS13B protein (p.Asp2889Glu). This variant is present in population databases (no rsID available, gnomAD 0.003%). This variant has not been reported in the literature in individuals affected with VPS13B-related conditions. Algorithms developed to predict the effect of missense changes on protein structure and function are either unavailable or do not agree on the potential impact of this missense change (SIFT: "Not Available"; PolyPhen-2: "Benign"; Align-GVGD: "Not Available"). In summary, the available evidence is currently insufficient to determine the role of this variant in disease. Therefore, it has been classified as a Variant of Uncertain Significance.